The following is an entry in ClinVar:

NM_001378418.1(TCF20):c.4312C>T (p.Arg1438Cys)

Gene: TCF20 (transcription factor 20; minus strand). Cytogenetic location: 22q13.2.
Variant type: single nucleotide variant.
Coding change: c.4312C>T on transcript NM_001378418.1 (MANE Select); coding-DNA position 4312, C replaced by T.
Protein change: p.Arg1438Cys; replaces arginine 1438 with cysteine.
Molecular consequence: missense variant.
Genome position (GRCh38, 1-based): chr22:42,210,994, G>A on the plus strand (C>T on the coding strand, the complement: TCF20 is on the minus strand). VCF-style: chr22-42210994-G-A. GRCh37 (hg19) VCF-style: chr22-42607000-G-A.
Other names: c.4312C>T (NM_005650.1); c.4312C>T, p.Arg1438Cys (NM_005650.4, NM_181492.3); short protein forms R1438C.
Identifiers: ClinVar variation 2160645 (VCV002160645.6), dbSNP rs771336001, ClinGen allele CA10266665.

ClinVar aggregate classification (germline): Conflicting classifications of pathogenicity. Review status: criteria provided, conflicting classifications (1 of 4 stars). 2 submissions from 2 submitters: Uncertain significance (1); Likely benign (1). Last evaluated 2024-08-14.

Conditions:
Inborn genetic diseases. Identifiers: MedGen C0950123, MeSH D030342.

Allele frequency attached by ClinVar (database versions not stated): gnomAD 0.00003; TOPMed 0.00003; ExAC 0.00008.
gnomAD v4.1: 89 of 1,613,928 alleles (0.0055%); highest among the groups gnomAD compares: South Asian, 0.027%; 1 homozygote.

Submissions (3):

Ambry Genetics
Classification: Likely benign for Inborn genetic diseases. Last evaluated: 2024-08-14. Review status: criteria provided, single submitter. Criteria: Ambry Variant Classification Scheme 2023. Collection method: clinical testing. Allele origin: germline.

Labcorp Genetics (formerly Invitae), Labcorp
Classification: Uncertain significance. Last evaluated: 2022-06-27. Review status: criteria provided, single submitter. Criteria: Invitae Variant Classification Sherloc (09022015). Collection method: clinical testing. Allele origin: germline.
Comment: This sequence change replaces arginine, which is basic and polar, with cysteine, which is neutral and slightly polar, at codon 1438 of the TCF20 protein (p.Arg1438Cys). This variant is present in population databases (rs771336001, gnomAD 0.04%), including at least one homozygous and/or hemizygous individual. This variant has not been reported in the literature in individuals affected with TCF20-related conditions. Algorithms developed to predict the effect of missense changes on protein structure and function are either unavailable or do not agree on the potential impact of this missense change (SIFT: "Tolerated"; PolyPhen-2: "Possibly Damaging"; Align-GVGD: "Class C0"). Algorithms developed to predict the effect of sequence changes on RNA splicing suggest that this variant may create or strengthen a splice site. In summary, the available evidence is currently insufficient to determine the role of this variant in disease. Therefore, it has been classified as a Variant of Uncertain Significance.

Dr. Peter K. Rogan Lab, Western University
No classification provided (evidence only). Condition: Familial cancer of breast. Review status: no classification provided. Collection method: in vitro. Allele origin: not applicable. Functional consequence: retained intron. Not counted in ClinVar's aggregate classification.